The following is an entry in ClinVar:

ClinVar aggregate classification (germline): Uncertain significance (1 of 4 stars; one submission).

Conditions:
Inborn genetic diseases. Identifiers: MedGen C0950123, MeSH D030342.

Allele frequency attached by ClinVar (database versions not stated): gnomAD exomes below 0.00001.
gnomAD v4.1: 4 of 1,611,906 alleles (0.00025%); highest among the groups gnomAD compares: South Asian, 0.0011%; no homozygotes.

Submission:

Ambry Genetics
Classification: Uncertain significance for Inborn genetic diseases. Last evaluated: 2022-06-27. Review status: criteria provided, single submitter. Criteria: Ambry Variant Classification Scheme 2023. Collection method: clinical testing. Allele origin: germline.
Comment: The p.W122C variant (also known as c.366G>C), located in coding exon 3 of the ATL3 gene, results from a G to C substitution at nucleotide position 366. The tryptophan at codon 122 is replaced by cysteine, an amino acid with highly dissimilar properties. This amino acid position is conserved. In addition, this alteration is predicted to be deleterious by in silico analysis. Since supporting evidence is limited at this time, the clinical significance of this alteration remains unclear.

NM_015459.5(ATL3):c.366G>C (p.Trp122Cys)

Genes: ATL3 (atlastin GTPase 3; minus strand), LNCROPM (lncRNA regulator of PLAAT3 mediated phospholipid metabolism; plus strand). Cytogenetic location: 11q13.1.
Variant type: single nucleotide variant.
Coding change: c.366G>C on transcript NM_015459.5 (MANE Select); coding-DNA position 366, G replaced by C.
Protein change: p.Trp122Cys; replaces tryptophan 122 with cysteine.
Molecular consequence: missense variant.
Genome position (GRCh38, 1-based): chr11:63,658,800, C>G on the plus strand (G>C on the coding strand, the complement: ATL3 is on the minus strand). VCF-style: chr11-63658800-C-G. GRCh37 (hg19) VCF-style: chr11-63426272-C-G.
Other names: c.312G>C, p.Trp104Cys (NM_001290048.2); short protein forms W104C, W122C.
Identifiers: ClinVar variation 1733771 (VCV001733771.2), dbSNP rs2134523170, ClinGen allele CA381030067.